The following is an entry in ClinVar:

NM_015662.3(IFT172):c.4046G>C (p.Ser1349Thr)

Gene: IFT172 (intraflagellar transport 172; minus strand). Cytogenetic location: 2p23.3.
Variant type: single nucleotide variant.
Coding change: c.4046G>C on transcript NM_015662.3 (MANE Select); coding-DNA position 4046, G replaced by C.
Protein change: p.Ser1349Thr; replaces serine 1349 with threonine.
Molecular consequence: missense variant.
Genome position (GRCh38, 1-based): chr2:27,450,002, C>G on the plus strand (G>C on the coding strand, the complement: IFT172 is on the minus strand). VCF-style: chr2-27450002-C-G. GRCh37 (hg19) VCF-style: chr2-27672869-C-G.
Other names: short protein forms S1349T.
Identifiers: ClinVar variation 1425664 (VCV001425664.5), dbSNP rs762984875, ClinGen allele CA346422296.

ClinVar aggregate classification (germline): Uncertain significance (1 of 4 stars; one submission).

Conditions:
Short-rib thoracic dysplasia 10 with or without polydactyly (SRTD10). Identifiers: Orphanet 474, MedGen C3810175, MONDO:0014284, OMIM 615630.
Retinitis pigmentosa 71 (RP71). Identifiers: Orphanet 791, MedGen C4225342, MONDO:0014618, OMIM 616394.

Allele frequency attached by ClinVar (database versions not stated): gnomAD exomes 0.00001.

Submission:

Labcorp Genetics (formerly Invitae), Labcorp
Classification: Uncertain significance for Retinitis pigmentosa 71; Short-rib thoracic dysplasia 10 with or without polydactyly. Last evaluated: 2022-09-13. Review status: criteria provided, single submitter. Criteria: Invitae Variant Classification Sherloc (09022015). Collection method: clinical testing. Allele origin: germline.
Comment: This sequence change replaces serine, which is neutral and polar, with threonine, which is neutral and polar, at codon 1349 of the IFT172 protein (p.Ser1349Thr). This variant is not present in population databases (gnomAD no frequency). This variant has not been reported in the literature in individuals affected with IFT172-related conditions. ClinVar contains an entry for this variant (Variation ID: 1425664). Advanced modeling of protein sequence and biophysical properties (such as structural, functional, and spatial information, amino acid conservation, physicochemical variation, residue mobility, and thermodynamic stability) performed at Invitae indicates that this missense variant is not expected to disrupt IFT172 protein function. In summary, the available evidence is currently insufficient to determine the role of this variant in disease. Therefore, it has been classified as a Variant of Uncertain Significance.